The following is an entry in ClinVar:

NM_001843.4(CNTN1):c.1564G>A (p.Ala522Thr)

Gene: CNTN1 (contactin 1; plus strand). Cytogenetic location: 12q12.
Variant type: single nucleotide variant.
Coding change: c.1564G>A on transcript NM_001843.4 (MANE Select); coding-DNA position 1564, G replaced by A.
Protein change: p.Ala522Thr; replaces alanine 522 with threonine.
Molecular consequence: missense variant.
Genome position (GRCh38, 1-based): chr12:40,944,051, G>A. VCF-style: chr12-40944051-G-A. GRCh37 (hg19) VCF-style: chr12-41337853-G-A.
Other names: c.1531G>A, p.Ala511Thr (NM_175038.2); c.1564G>A, p.Ala522Thr (NM_001256063.2, NM_001256064.2); short protein forms A511T, A522T.
Identifiers: ClinVar variation 1989531 (VCV001989531.1), dbSNP rs755978506, ClinGen allele CA6516894.
Genomic context (GRCh38, chr12:40,944,051, plus strand): 5'-ATAGATCCTACGCGAATTATATTGGCCCCAATTAATGCCGATATCACAGTTGGAGAAAAC[G>A]CCACCATGCAGTGTGCTGCGTCCTTTGATCCTGCCTTGGATCTCACATTTGTTTGGTCCT-3'
Protein context (NP_001834.2, residues 512-532): INADITVGEN[Ala522Thr]TMQCAASFDP

ClinVar aggregate classification (germline): Uncertain significance (1 of 4 stars; one submission).

Conditions:
Compton-North congenital myopathy (CMYO12). Identifiers: Orphanet 210163, MedGen C2675527, MONDO:0012929, OMIM 612540.

Allele frequency attached by ClinVar (database versions not stated): ExAC 0.00001; TOPMed 0.00001; gnomAD 0.00002.
gnomAD v4.1: 19 of 1,613,312 alleles (0.0012%); highest among the groups gnomAD compares: South Asian, 0.0022%; no homozygotes.

Submission:

Labcorp Genetics (formerly Invitae), Labcorp
Classification: Uncertain significance for Compton-North congenital myopathy. Last evaluated: 2022-09-01. Review status: criteria provided, single submitter. Criteria: Invitae Variant Classification Sherloc (09022015). Collection method: clinical testing. Allele origin: germline.
Comment: This sequence change replaces alanine, which is neutral and non-polar, with threonine, which is neutral and polar, at codon 522 of the CNTN1 protein (p.Ala522Thr). This variant is present in population databases (rs755978506, gnomAD 0.0008%). This variant has not been reported in the literature in individuals affected with CNTN1-related conditions. Advanced modeling of protein sequence and biophysical properties (such as structural, functional, and spatial information, amino acid conservation, physicochemical variation, residue mobility, and thermodynamic stability) performed at Invitae indicates that this missense variant is not expected to disrupt CNTN1 protein function. In summary, the available evidence is currently insufficient to determine the role of this variant in disease. Therefore, it has been classified as a Variant of Uncertain Significance.